The following is an entry in ClinVar:

NM_004937.3(CTNS):c.283G>T (p.Gly95Ter)

Genes: CTNS (cystinosin, lysosomal cystine transporter; plus strand), CTNS-AS1 (CTNS antisense RNA 1; minus strand). Cytogenetic location: 17p13.2.
Variant type: single nucleotide variant.
Coding change: c.283G>T on transcript NM_004937.3 (MANE Select); coding-DNA position 283, G replaced by T.
Protein change: p.Gly95Ter; replaces glycine 95 with a stop codon.
Molecular consequence: nonsense. On other transcripts: 5 prime UTR variant (4).
Genome position (GRCh38, 1-based): chr17:3,655,055, G>T. VCF-style: chr17-3655055-G-T. GRCh37 (hg19) VCF-style: chr17-3558349-G-T.
Other names: c.283G>T, p.Gly95Ter (NM_001031681.3, NM_001374492.1); c.-159G>T (NM_001374493.1, NM_001374494.1, NM_001374495.1 and 1 more transcripts); short protein forms G95*.
Identifiers: ClinVar variation 4441 (VCV000004441.2), dbSNP rs121908124, ClinGen allele CA278063.
Genomic context (GRCh38, chr17:3,655,055, plus strand): 5'-CAGGTTGTGGTGCCTCCTGGAGTGACAAACTCCTCTTTTCAAGTGACATCTCAAAATGTT[G>T]GACAACTTACTGTTTATCTACATGGAAATCACTCCAATCAGACCGGGTAGGCTGGCCTCA-3'

ClinVar aggregate classification (germline): Pathogenic. Review status: criteria provided, single submitter (1 of 4 stars). 2 submissions from 2 submitters: Pathogenic (1). 1 of the submissions does not count toward it. Last evaluated 2026-02-06.

Conditions:
Cystinosis. Also called: Cystine diathesis; Cystine storage disease; Cystinoses. Identifiers: Orphanet 213, MedGen C4316899, MONDO:0016239.
Nephropathic cystinosis (CTNS). Also called: CYSTINOSIN, DEFECT OF; LYSOSOMAL CYSTINE TRANSPORT PROTEIN, DEFECT OF; Abderhalden Lignac Kaufmann disease; Abderhalden-Kaufmann-Lignac syndrome. Identifiers: Orphanet 213, Orphanet 411629, MedGen C2931187, MONDO:0100151, OMIM 219800.

Submissions (2):

Genetics Laboratory, Great Ormond Street Hospital NHS Foundation Trust, North Thames Genomic Laboratory Hub
Classification: Pathogenic for Cystinosis. Last evaluated: 2026-02-06. Review status: criteria provided, single submitter. Criteria: ACGS Best Practice Guidelines for Variant Classification in Rare Disease 2024 v1.2. Collection method: clinical testing. Allele origin: germline. Affected: yes.
Comment: PM2_moderate, PVS1_very-strong, PM3_moderate, PP4_moderate

OMIM
Classification: Pathogenic for CYSTINOSIS, NEPHROPATHIC. Last evaluated: 1998-04-01. Review status: no assertion criteria provided. Collection method: literature only. Allele origin: germline. Not counted in ClinVar's aggregate classification.

Literature cited by the submitters: PubMed 9537412 (cited by OMIM).